The following is an entry in ClinVar:

ClinVar aggregate classification (germline): Pathogenic. Review status: criteria provided, multiple submitters, no conflicts (2 of 4 stars). 2 submissions from 2 submitters: Pathogenic (2). Last evaluated 2023-06-13.

Conditions:
Arginase deficiency. Also called: ARGININEMIA; ARG1 DEFICIENCY; Arginase 1 Deficiency. Identifiers: Orphanet 90, MedGen C0268548, MONDO:0008814, OMIM 207800.

Submissions (2):

Baylor Genetics
Classification: Pathogenic for Arginase deficiency. Last evaluated: 2023-06-13. Review status: criteria provided, single submitter. Criteria: ACMG Guidelines, 2015. Collection method: clinical testing. Allele origin: unknown.

Juno Genomics, Hangzhou Juno Genomics, Inc
Classification: Pathogenic for Arginase deficiency. Review status: criteria provided, single submitter. Criteria: ACMG Guidelines, 2015. Collection method: clinical testing. Allele origin: germline.
Comment: Absent from controls (or at extremely low frequency if recessive) in Genome Aggregation Database.;Null variant in a gene where loss of function (LOF) is a known mechanism of disease.;For recessive disorders, detected in trans with a pathogenic variant.;Patient's phenotype or family history is highly specific for a disease with a single genetic etiology.

NM_000045.4(ARG1):c.232dup (p.Glu78fs)

Genes: ARG1 (arginase 1; plus strand), MED23 (mediator complex subunit 23; minus strand). Cytogenetic location: 6q23.2.
Variant type: Duplication.
Coding change: c.232dup on transcript NM_000045.4 (MANE Select); coding-DNA position 232, one base duplicated (G; older notation c.232dupG).
Protein change: p.Glu78fs; shifts the reading frame from glutamic acid 78.
Molecular consequence: frameshift variant. On other transcripts: non-coding transcript variant (1), intron variant (2).
Genome position (GRCh38, 1-based): chr6:131,579,212, G duplicated. VCF-style (leftmost placement, unchanged base first): chr6-131579211-C-CG. GRCh37 (hg19) VCF-style: chr6-131900351-C-CG.
Other names: c.256dup, p.Glu86fs (NM_001244438.2); c.232dup, p.Glu78fs (NM_001369020.1); c.4078-4917dup (NM_001270521.2); c.4096-4917dup (NM_015979.4); short protein forms E78fs, E86fs.
Identifiers: ClinVar variation 2678282 (VCV002678282.3), dbSNP rs2482352133, ClinGen allele CA2695198350.
Genomic context (GRCh38, chr6:131,579,211, plus strand): 5'-CATCCCTAATGACAGTCCCTTTCAAATTGTGAAGAATCCAAGGTCTGTGGGAAAAGCAAG[C>CG]GAGCAGCTGGCTGGCAAGGTGGCAGAAGTCAAGAAGAACGGAAGAATCAGCCTGGTGCTG-3'